The following is an entry in ClinVar:

NM_005228.5(EGFR):c.1007-8_1007-5del

Genes: EGFR (epidermal growth factor receptor; plus strand), LOC126860048 (P300/CBP strongly-dependent group 1 enhancer GRCh37_chr7:55223847-55225046; plus strand). Cytogenetic location: 7p11.2.
Variant type: Deletion.
Coding change: c.1007-8_1007-5del on transcript NM_005228.5 (MANE Select); 8 bases into the intron before coding-DNA position 1007 through 5 bases into the intron before coding-DNA position 1007, 4 bases deleted (CTCT; older notation c.1007-8_1007-5delCTCT).
Molecular consequence: intron variant.
Genome position (GRCh38, 1-based): chr7:55,156,525-55,156,528, CTCT deleted; deleting any 4 consecutive bases within chr7:55,156,524-55,156,528 gives the same sequence; the c. name uses the placement nearest the transcript's 3' end. VCF-style (leftmost placement, unchanged base first): chr7-55156523-ATCTC-A. GRCh37 (hg19) VCF-style: chr7-55224216-ATCTC-A.
Other names: c.872-8_872-5del (NM_001346899.2, NM_001346897.2); c.206-8_206-5del (NM_001346941.2); c.1007-8_1007-5del (NM_001346898.2, NM_201284.2, NM_201282.2 and 1 more transcripts); c.848-8_848-5del (NM_001346900.2).
Identifiers: ClinVar variation 2114097 (VCV002114097.4), dbSNP rs748662290, ClinGen allele CA4265463.
Genomic context (GRCh38, chr7:55,156,523, plus strand): 5'-GCCTGTGGATCCCTAGCTATTCTTAATCCAACAAATGTGAACGGAATACACGTCTCTCTT[ATCTC>A]TGCAGTGTGTAACGGAATAGGTATTGGTGAATTTAAAGACTCACTCTCCATAAATGCTAC-3'

ClinVar aggregate classification (germline): Uncertain significance (1 of 4 stars; one submission).

Conditions:
EGFR-related lung cancer (EGFR). Identifiers: MedGen CN130014.

Submission:

Labcorp Genetics (formerly Invitae), Labcorp
Classification: Uncertain significance for EGFR-related lung cancer. Last evaluated: 2022-03-19. Review status: criteria provided, single submitter. Criteria: Invitae Variant Classification Sherloc (09022015). Collection method: clinical testing. Allele origin: germline.
Comment: Algorithms developed to predict the effect of sequence changes on RNA splicing suggest that this variant may disrupt the consensus splice site. This variant has not been reported in the literature in individuals affected with EGFR-related conditions. This variant is present in population databases (rs748662290, gnomAD 0.0009%). This sequence change falls in intron 8 of the EGFR gene. It does not directly change the encoded amino acid sequence of the EGFR protein. In summary, the available evidence is currently insufficient to determine the role of this variant in disease. Therefore, it has been classified as a Variant of Uncertain Significance.